The following is an entry in ClinVar:

ClinVar aggregate classification (germline): Pathogenic (1 of 4 stars; one submission).

Conditions:
Dextro-looped transposition of the great arteries. Also called: Dextrotransposition of the great arteries. Identifiers: Orphanet 860, MedGen C3531771, MONDO:0019443, OMIM 608808, HP:0031348.

Submission:

Labcorp Genetics (formerly Invitae), Labcorp
Classification: Pathogenic for Dextro-looped transposition of the great arteries. Last evaluated: 2025-03-12. Review status: criteria provided, single submitter. Criteria: Invitae Variant Classification Sherloc (09022015). Collection method: clinical testing. Allele origin: germline.
Comment: This sequence change creates a premature translational stop signal (p.Tyr854Phefs*27) in the MED13L gene. It is expected to result in an absent or disrupted protein product. Loss-of-function variants in MED13L are known to be pathogenic (PMID: 25712080, 25758992). This variant is not present in population databases (gnomAD no frequency). This variant has not been reported in the literature in individuals affected with MED13L-related conditions. For these reasons, this variant has been classified as Pathogenic.

Literature cited by the submitters: PubMed 25712080; PubMed 25758992.

NM_015335.5(MED13L):c.2561del (p.Tyr854fs)

Gene: MED13L (mediator complex subunit 13L; minus strand). Cytogenetic location: 12q24.21.
Variant type: Deletion.
Coding change: c.2561del on transcript NM_015335.5 (MANE Select); coding-DNA position 2561, one base deleted (A; older notation c.2561delA).
Protein change: p.Tyr854fs; shifts the reading frame from tyrosine 854.
Molecular consequence: frameshift variant.
Genome position (GRCh38, 1-based): chr12:116,003,011, T deleted on the plus strand (A on the coding strand, the reverse complement: MED13L is on the minus strand). VCF-style (leftmost placement, unchanged base first): chr12-116003010-AT-A. GRCh37 (hg19) VCF-style: chr12-116440815-AT-A.
Other names: short protein forms Y854fs.
Identifiers: ClinVar variation 4714132 (VCV004714132.1).
Genomic context (GRCh38, chr12:116,003,010, plus strand): 5'-ATCTAAGTTACAGGCAGTGAGCCACAATGGCTCAGTCAAGTTTCTCTACCTACTTGGTGG[AT>A]AAGGAACAGCAGCTCTTCCATCCTTCCCAAGAGGTCGGTCTTCTGTCCCAACTGCAGGCA-3'